The following is an entry in ClinVar:

NM_002547.3(OPHN1):c.1486A>G (p.Asn496Asp)

Gene: OPHN1 (oligophrenin 1; minus strand). Cytogenetic location: Xq12.
Variant type: single nucleotide variant.
Coding change: c.1486A>G on transcript NM_002547.3 (MANE Select); coding-DNA position 1486, A replaced by G.
Protein change: p.Asn496Asp; replaces asparagine 496 with aspartic acid.
Molecular consequence: missense variant.
Genome position (GRCh38, 1-based): chrX:68,111,894, T>C on the plus strand (A>G on the coding strand, the complement: OPHN1 is on the minus strand). VCF-style: chrX-68111894-T-C. GRCh37 (hg19) VCF-style: chrX-67331736-T-C.
Other names: short protein forms N496D.
Identifiers: ClinVar variation 1328902 (VCV001328902.2), dbSNP rs2147429744, ClinGen allele CA413431634.

ClinVar aggregate classification (germline): Uncertain significance (1 of 4 stars; one submission).

Submission:

GeneDx
Classification: Uncertain significance. Last evaluated: 2021-06-16. Review status: criteria provided, single submitter. Criteria: GeneDx Variant Classification Process June 2021. Collection method: clinical testing. Allele origin: germline. Affected: yes.
Comment: Not observed at significant frequency in large population cohorts (Lek et al., 2016); In silico analysis supports that this missense variant has a deleterious effect on protein structure/function; Has not been previously published as pathogenic or benign to our knowledge; This variant is associated with the following publications: (PMID: 27535533)